The following is an entry in ClinVar:

ClinVar aggregate classification (germline): Uncertain significance (1 of 4 stars; one submission).

Submission:

GeneDx
Classification: Uncertain significance. Last evaluated: 2022-07-21. Review status: criteria provided, single submitter. Criteria: GeneDx Variant Classification Process June 2021. Collection method: clinical testing. Allele origin: germline. Affected: yes.
Comment: Not observed at significant frequency in large population cohorts (gnomAD); In silico analysis supports that this missense variant has a deleterious effect on protein structure/function; Has not been previously published as pathogenic or benign to our knowledge

NM_001231.5(CASQ1):c.677T>C (p.Leu226Pro)

Gene: CASQ1 (calsequestrin 1; plus strand). Cytogenetic location: 1q23.2.
Variant type: single nucleotide variant.
Coding change: c.677T>C on transcript NM_001231.5 (MANE Select); coding-DNA position 677, T replaced by C.
Protein change: p.Leu226Pro; replaces leucine 226 with proline.
Molecular consequence: missense variant.
Genome position (GRCh38, 1-based): chr1:160,195,922, T>C. VCF-style: chr1-160195922-T-C. GRCh37 (hg19) VCF-style: chr1-160165712-T-C.
Other names: short protein forms L226P.
Identifiers: ClinVar variation 2136142 (VCV002136142.1), dbSNP rs2525057244, ClinGen allele CA343258174.